The following is an entry in ClinVar:

NM_006231.4(POLE):c.122C>G (p.Thr41Arg)

Gene: POLE (DNA polymerase epsilon, catalytic subunit; minus strand). Cytogenetic location: 12q24.33.
Variant type: single nucleotide variant.
Coding change: c.122C>G on transcript NM_006231.4 (MANE Select); coding-DNA position 122, C replaced by G.
Protein change: p.Thr41Arg; replaces threonine 41 with arginine.
Molecular consequence: missense variant.
Genome position (GRCh38, 1-based): chr12:132,681,220, G>C on the plus strand (C>G on the coding strand, the complement: POLE is on the minus strand). VCF-style: chr12-132681220-G-C. GRCh37 (hg19) VCF-style: chr12-133257806-G-C.
Other names: c.122C>G (NM_006231.2); short protein forms T41R.
Identifiers: ClinVar variation 853609 (VCV000853609.10), dbSNP rs148269473, ClinGen allele CA387370227.
Genomic context (GRCh38, chr12:132,681,220, plus strand): 5'-CCTGTCTTCTCACCAGGCTCCTTCAGCCGCTCAAAACCAAACCGCAAATCCATCTTATCC[G>C]TCCACTGACTCCGTTCCAGGCGCTTGAGTGCCGAAACTGAGGAAGTGGCGCCATCATCCC-3'
Protein context (NP_006222.2, residues 31-51): ALKRLERSQW[Thr41Arg]DKMDLRFGFE

ClinVar aggregate classification (germline): Uncertain significance. Review status: criteria provided, multiple submitters, no conflicts (2 of 4 stars). 2 submissions from 2 submitters: Uncertain significance (2). Last evaluated 2026-01-13.

Conditions:
Hereditary cancer-predisposing syndrome. Also called: Neoplastic Syndromes, Hereditary; Hereditary Cancer Syndrome; Tumor predisposition; Hereditary neoplastic syndrome. Identifiers: Orphanet 140162, MedGen C0027672, MeSH D009386, MONDO:0015356.

Submissions (2):

Labcorp Genetics (formerly Invitae), Labcorp
Classification: Uncertain significance. Last evaluated: 2026-01-13. Review status: criteria provided, single submitter. Criteria: Invitae Variant Classification Sherloc (09022015). Collection method: clinical testing. Allele origin: germline.
Comment: This sequence change replaces threonine, which is neutral and polar, with arginine, which is basic and polar, at codon 41 of the POLE protein (p.Thr41Arg). This variant is not present in population databases (gnomAD no frequency). This variant has not been reported in the literature in individuals affected with POLE-related conditions. ClinVar contains an entry for this variant (Variation ID: 853609). Invitae Evidence Modeling of protein sequence and biophysical properties (such as structural, functional, and spatial information, amino acid conservation, physicochemical variation, residue mobility, and thermodynamic stability) indicates that this missense variant is not expected to disrupt POLE protein function with a negative predictive value of 80%. In summary, the available evidence is currently insufficient to determine the role of this variant in disease. Therefore, it has been classified as a Variant of Uncertain Significance.

Ambry Genetics
Classification: Uncertain significance for Hereditary cancer-predisposing syndrome. Last evaluated: 2025-08-02. Review status: criteria provided, single submitter. Criteria: Ambry Variant Classification Scheme 2023. Collection method: clinical testing. Allele origin: germline.
Comment: The p.T41R variant (also known as c.122C>G), located in coding exon 2 of the POLE gene, results from a C to G substitution at nucleotide position 122. The threonine at codon 41 is replaced by arginine, an amino acid with similar properties. This amino acid position is conserved. In addition, this alteration is predicted to be tolerated by in silico analysis. Based on the available evidence, the clinical significance of this variant remains unclear.